The following is an entry in ClinVar:

ClinVar aggregate classification (germline): Benign (0 of 4 stars; one submission).

Conditions:
SLC5A9-related disorder. Also called: SLC5A9-related condition.

Allele frequency attached by ClinVar (database versions not stated): ESP Exome Variant Server 0.00015; gnomAD exomes 0.00090; gnomAD 0.00131; TOPMed 0.00216; ExAC 0.00222; 1000 Genomes Project 0.00359; 1000 Genomes Project 30x 0.00359.
gnomAD v4.1: 1,520 of 1,613,936 alleles (0.094%); highest among the groups gnomAD compares: Admixed American, 1.5%; 13 homozygotes.

Submission:

PreventionGenetics, part of Exact Sciences
Classification: Benign for SLC5A9-related condition. Last evaluated: 2024-08-26. Review status: no assertion criteria provided. Collection method: clinical testing. Allele origin: germline.
Comment: This variant is classified as benign based on ACMG/AMP sequence variant interpretation guidelines (Richards et al. 2015 PMID: 25741868, with internal and published modifications).

NM_001011547.3(SLC5A9):c.1304T>G (p.Val435Gly)

Gene: SLC5A9 (solute carrier family 5 member 9; plus strand). Cytogenetic location: 1p33.
Variant type: single nucleotide variant.
Coding change: c.1304T>G on transcript NM_001011547.3 (MANE Select); coding-DNA position 1304, T replaced by G.
Protein change: p.Val435Gly; replaces valine 435 with glycine.
Molecular consequence: missense variant.
Genome position (GRCh38, 1-based): chr1:48,237,690, T>G. VCF-style: chr1-48237690-T-G. GRCh37 (hg19) VCF-style: chr1-48703362-T-G.
Other names: c.1379T>G, p.Val460Gly (NM_001135181.2); short protein forms V435G, V460G.
Identifiers: ClinVar variation 3060810 (VCV003060810.2), dbSNP rs148103384, ClinGen allele CA843883.
Genomic context (GRCh38, chr1:48,237,690, plus strand): 5'-CACCATGCCCACCCGAGTGTGCCTCAGTGCCCTGTGCTCTCTCTGGCAGAGTGTTTGTGG[T>G]GTTCCTGGTTGTCATCAGCATCCTCTGGATCCCCATCATCCAAAGCTCCAACAGTGGGCA-3'
Protein context (NP_001011547.2, residues 425-445): ELMVVGRVFV[Val435Gly]FLVVISILWI